The following is an entry in ClinVar:

ClinVar aggregate classification (germline): other (0 of 4 stars; one submission).

Conditions:
Familial colorectal cancer. Identifiers: MedGen CN280943, MONDO:0023113. Disease mechanism: loss of function.

Submission:

Systems Biology Platform Zhejiang California International NanoSystems Institute
Classification: other for Familial colorectal cancer. Review status: no assertion criteria provided. Collection method: not provided. Allele origin: unknown.
ClinVar note: Converted during submission from cancer to other.

NM_000038.6(APC):c.1744-980T>G

Gene: APC (APC regulator of WNT signaling pathway; plus strand). Cytogenetic location: 5q22.2.
Variant type: single nucleotide variant.
Coding change: c.1744-980T>G on transcript NM_000038.6 (MANE Select); 980 bases into the intron before coding-DNA position 1744, T replaced by G.
Molecular consequence: intron variant.
Genome position (GRCh38, 1-based): chr5:112,833,971, T>G. VCF-style: chr5-112833971-T-G. GRCh37 (hg19) VCF-style: chr5-112169668-T-G.
Other names: c.1744-980T>G (NM_001354895.2, NM_001127510.3); c.1774-980T>G (NM_001354897.2); c.1471-980T>G (NM_001354902.2); c.1690-980T>G (NM_001127511.3); c.1669-980T>G (NM_001354898.2); c.1366-980T>G (NM_001354904.2); c.895-980T>G (NM_001354906.2); c.1798-980T>G (NM_001354896.2); and 5 more.
Identifiers: ClinVar variation 82609 (VCV000082609.2), dbSNP rs75549059, ClinGen allele CA005975.
Genomic context (GRCh38, chr5:112,833,971, plus strand): 5'-ATATCTTTCCATATCTATGTATGGTTTACAGAATTTTAAAAATCTACTTTCTTTTTTTTT[T>G]GAGACAGGGTCTCACTGTCAACCAGGCTTGAGTGCAGTGGCGCGATCATGGCTTACTGCA-3'